The following is an entry in ClinVar:

NM_001114753.3(ENG):c.1429-2del

Genes: ENG (endoglin; minus strand), LOC102723566 (uncharacterized LOC102723566; plus strand). Cytogenetic location: 9q34.11.
Variant type: Deletion.
Coding change: c.1429-2del on transcript NM_001114753.3 (MANE Select); the canonical splice acceptor site of the intron before coding-DNA position 1429, one base deleted (A; older notation c.1429-2delA).
Molecular consequence: splice acceptor variant. On other transcripts: non-coding transcript variant (1).
Genome position (GRCh38, 1-based): chr9:127,818,379, T deleted on the plus strand (A on the coding strand, the reverse complement: ENG is on the minus strand). VCF-style (leftmost placement, unchanged base first): chr9-127818378-CT-C. GRCh37 (hg19) VCF-style: chr9-130580657-CT-C.
Other names: c.1429-2del (NM_000118.4); c.883-2del (NM_001278138.2).
Identifiers: ClinVar variation 1772435 (VCV001772435.3), dbSNP rs2539059977, ClinGen allele CA2580079670.

ClinVar aggregate classification (germline): Likely pathogenic (1 of 4 stars; one submission).

Conditions:
Cardiovascular phenotype. Identifiers: MedGen CN230736.

Submission:

Ambry Genetics
Classification: Likely pathogenic for Cardiovascular phenotype. Last evaluated: 2022-12-14. Review status: criteria provided, single submitter. Criteria: Ambry Variant Classification Scheme 2023. Collection method: clinical testing. Allele origin: germline.
Comment: The c.1429-2delA intronic variant results from a deletion of one nucleotide two nucleotides before coding exon 12 of the ENG gene. This alteration has been observed in at least one individual with a personal and/or family history that is consistent with hereditary hemorrhagic telangiectasia (Ambry internal data). This variant is considered to be rare based on population cohorts in the Genome Aggregation Database (gnomAD). This nucleotide position is highly conserved in available vertebrate species. In silico splice site analysis predicts that this alteration will weaken the native splice acceptor site. Alterations that disrupt the canonical splice site are expected to cause aberrant splicing, resulting in an abnormal protein or a transcript that is subject to nonsense-mediated mRNA decay. As such, this alteration is classified as likely pathogenic.